The following is an entry in ClinVar:

ClinVar aggregate classification (germline): Uncertain significance (1 of 4 stars; one submission).

Conditions:
Hereditary cancer-predisposing syndrome. Also called: Hereditary Cancer Syndrome; Hereditary neoplastic syndrome; Tumor predisposition; Neoplastic Syndromes, Hereditary. Identifiers: Orphanet 140162, MedGen C0027672, MeSH D009386, MONDO:0015356.

Submission:

Ambry Genetics
Classification: Uncertain significance for Hereditary cancer-predisposing syndrome. Last evaluated: 2024-08-12. Review status: criteria provided, single submitter. Criteria: Ambry Variant Classification Scheme 2023. Collection method: clinical testing. Allele origin: germline.
Comment: The p.G779R variant (also known as c.2335G>A), located in coding exon 13 of the ALK gene, results from a G to A substitution at nucleotide position 2335. The glycine at codon 779 is replaced by arginine, an amino acid with dissimilar properties. This amino acid position is conserved. In addition, this alteration is predicted to be deleterious by in silico analysis. Based on the available evidence, the clinical significance of this variant remains unclear.

NM_004304.5(ALK):c.2335G>A (p.Gly779Arg)

Gene: ALK (ALK receptor tyrosine kinase; minus strand). Cytogenetic location: 2p23.2.
Variant type: single nucleotide variant.
Coding change: c.2335G>A on transcript NM_004304.5 (MANE Select); coding-DNA position 2335, G replaced by A.
Protein change: p.Gly779Arg; replaces glycine 779 with arginine.
Molecular consequence: missense variant.
Genome position (GRCh38, 1-based): chr2:29,239,700, C>T on the plus strand (G>A on the coding strand, the complement: ALK is on the minus strand). VCF-style: chr2-29239700-C-T. GRCh37 (hg19) VCF-style: chr2-29462566-C-T.
Other names: short protein forms G779R.
Identifiers: ClinVar variation 3524305 (VCV003524305.1).